The following is an entry in ClinVar:

NM_001267550.2(TTN):c.103420C>T (p.Gln34474Ter)

Genes: TTN-AS1 (TTN antisense RNA 1; plus strand), TTN (titin; minus strand). Cytogenetic location: 2q31.2.
Variant type: single nucleotide variant.
Coding change: c.103420C>T on transcript NM_001267550.2 (MANE Select); coding-DNA position 103420, C replaced by T.
Protein change: p.Gln34474Ter; replaces glutamine 34474 with a stop codon.
Molecular consequence: nonsense.
Genome position (GRCh38, 1-based): chr2:178,533,195, G>A on the plus strand (C>T on the coding strand, the complement: TTN is on the minus strand). VCF-style: chr2-178533195-G-A. GRCh37 (hg19) VCF-style: chr2-179397922-G-A.
Other names: c.98497C>T, p.Gln32833Ter (NM_001256850.1); c.76225C>T, p.Gln25409Ter (NM_003319.4); c.95716C>T, p.Gln31906Ter (NM_133378.4); c.76600C>T, p.Gln25534Ter (NM_133432.3); c.76801C>T, p.Gln25601Ter (NM_133437.4); short protein forms Q25409*, Q25534*, Q25601*, Q31906*, Q32833*, Q34474*.
Identifiers: ClinVar variation 3756052 (VCV003756052.2).

ClinVar aggregate classification (germline): Likely pathogenic (1 of 4 stars; one submission).

Conditions:
Dilated cardiomyopathy 1G (CMD1G). Identifiers: Orphanet 154, MedGen C1858763, MONDO:0011400, OMIM 604145.
Autosomal recessive limb-girdle muscular dystrophy type 2J (LGMDR10). Also called: Limb-girdle muscular dystrophy, type 2J; MUSCULAR DYSTROPHY, LIMB-GIRDLE, AUTOSOMAL RECESSIVE 10. Identifiers: Orphanet 140922, MedGen C1837342, MONDO:0012127, OMIM 608807.

Submission:

Labcorp Genetics (formerly Invitae), Labcorp
Classification: Likely pathogenic for Dilated cardiomyopathy 1G; Autosomal recessive limb-girdle muscular dystrophy type 2J. Last evaluated: 2024-05-15. Review status: criteria provided, single submitter. Criteria: Invitae Variant Classification Sherloc (09022015). Collection method: clinical testing. Allele origin: germline.
Comment: This sequence change creates a premature translational stop signal (p.Gln34474*) in the TTN gene. While this is not anticipated to result in nonsense mediated decay, it is expected to create a truncated TTN protein. This variant is not present in population databases (gnomAD no frequency). This variant has not been reported in the literature in individuals affected with TTN-related conditions. This variant is located in the M band of TTN (PMID: 25589632). Truncating variants in this region have been previously reported in individuals affected with autosomal recessive myopathy and muscular dystrophy (PMID: 18948003, 23975875, 24395473). Truncating variants in this region have also been identified in individuals affected with autosomal dominant dilated cardiomyopathy and/or cardio-related conditions (PMID: 27869827, 32964742, Invitae internal data). In summary, the currently available evidence indicates that the variant is pathogenic, but additional data are needed to prove that conclusively. Therefore, this variant has been classified as Likely Pathogenic.

Literature cited by the submitters: PubMed 25589632; PubMed 18948003; PubMed 23975875; PubMed 24395473; PubMed 27869827; PubMed 32964742.